The following is an entry in ClinVar:

NM_001127511.3(APC):c.134G>A (p.Arg45His)

Gene: APC (APC regulator of Wnt signaling pathway; plus strand). Cytogenetic location: 5q22.2.
Variant type: single nucleotide variant.
Coding change: c.134G>A on transcript NM_001127511.3; coding-DNA position 134, G replaced by A.
Protein change: p.Arg45His; replaces arginine 45 with histidine.
Molecular consequence: missense variant. On other transcripts: 5 prime UTR variant (8), non-coding transcript variant (1), intron variant (5).
Genome position (GRCh38, 1-based): chr5:112,707,851, G>A. VCF-style: chr5-112707851-G-A. GRCh37 (hg19) VCF-style: chr5-112043548-G-A.
Other names: c.-50G>A (NM_001354895.2, NM_001407447.1, NM_001407452.1 and 3 more transcripts); c.134G>A, p.Arg45His (NM_001354897.2, NM_001354902.2, NM_001407446.1); c.-1085G>A (NM_001407470.1, NM_001407472.1); c.-19+202G>A (NM_001407448.1, NM_001407450.1, NM_001407457.1 and 1 more transcripts); c.-43+202G>A (NM_001407453.1); short protein forms R45H.
Identifiers: ClinVar variation 548852 (VCV000548852.6), dbSNP rs1004213568, ClinGen allele CA360612101.

ClinVar aggregate classification (germline): Uncertain significance. Review status: criteria provided, single submitter (1 of 4 stars). 2 submissions from 2 submitters: Uncertain significance (1). 1 of the submissions does not count toward it. Last evaluated 2022-12-08.

Conditions:
Familial adenomatous polyposis 1 (FAP1). Also called: FAMILIAL ADENOMATOUS POLYPOSIS 1, ATTENUATED; POLYPOSIS, ADENOMATOUS INTESTINAL. Identifiers: MedGen C2713442, MONDO:0021056, OMIM 175100. Disease mechanism: loss of function.

Submissions (2):

Labcorp Genetics (formerly Invitae), Labcorp
Classification: Uncertain significance for Familial adenomatous polyposis 1. Last evaluated: 2022-12-08. Review status: criteria provided, single submitter. Criteria: Invitae Variant Classification Sherloc (09022015). Collection method: clinical testing. Allele origin: germline.
Comment: Experimental studies and prediction algorithms are not available or were not evaluated, and the functional significance of this variant is currently unknown. In summary, the available evidence is currently insufficient to determine the role of this variant in disease. Therefore, it has been classified as a Variant of Uncertain Significance. ClinVar contains an entry for this variant (Variation ID: 548852). This variant has not been reported in the literature in individuals affected with APC-related conditions. This variant is not present in population databases (gnomAD no frequency). This variant occurs in a non-coding region of the APC gene. It does not change the encoded amino acid sequence of the APC protein.

Counsyl
Classification: Uncertain significance for Familial adenomatous polyposis 1. Last evaluated: 2018-01-30. Review status: no assertion criteria provided. Collection method: clinical testing. Allele origin: unknown. Not counted in ClinVar's aggregate classification.